The following is an entry in ClinVar:

ClinVar aggregate classification (germline): Uncertain significance (1 of 4 stars; one submission).

Conditions:
Fanconi anemia (FA). Also called: Fanconi's anemia. Identifiers: Orphanet 84, MedGen C0015625, MeSH D005199, MONDO:0019391.

Allele frequency attached by ClinVar (database versions not stated): gnomAD 0.00001.
gnomAD v4.1: 1 of 1,614,072 alleles (0.000062%); highest among the groups gnomAD compares: African/African-American, 0.0013%; no homozygotes.

Submission:

Labcorp Genetics (formerly Invitae), Labcorp
Classification: Uncertain significance for Fanconi anemia. Last evaluated: 2022-04-08. Review status: criteria provided, single submitter. Criteria: Invitae Variant Classification Sherloc (09022015). Collection method: clinical testing. Allele origin: germline.
Comment: Algorithms developed to predict the effect of missense changes on protein structure and function are either unavailable or do not agree on the potential impact of this missense change (SIFT: "Deleterious"; PolyPhen-2: "Possibly Damaging"; Align-GVGD: "Class C0"). This sequence change replaces glycine, which is neutral and non-polar, with valine, which is neutral and non-polar, at codon 139 of the SLX4 protein (p.Gly139Val). This variant is not present in population databases (gnomAD no frequency). This variant has not been reported in the literature in individuals affected with SLX4-related conditions. In summary, the available evidence is currently insufficient to determine the role of this variant in disease. Therefore, it has been classified as a Variant of Uncertain Significance.

NM_032444.4(SLX4):c.416G>T (p.Gly139Val)

Gene: SLX4 (SLX4 structure-specific endonuclease subunit; minus strand). Cytogenetic location: 16p13.3.
Variant type: single nucleotide variant.
Coding change: c.416G>T on transcript NM_032444.4 (MANE Select); coding-DNA position 416, G replaced by T.
Protein change: p.Gly139Val; replaces glycine 139 with valine.
Molecular consequence: missense variant.
Genome position (GRCh38, 1-based): chr16:3,608,549, C>A on the plus strand (G>T on the coding strand, the complement: SLX4 is on the minus strand). VCF-style: chr16-3608549-C-A. GRCh37 (hg19) VCF-style: chr16-3658550-C-A.
Other names: short protein forms G139V.
Identifiers: ClinVar variation 2084231 (VCV002084231.4), dbSNP rs2040812049, ClinGen allele CA394547268.